The following is an entry in ClinVar:

ClinVar aggregate classification (germline): Uncertain significance (1 of 4 stars; one submission).

Conditions:
Multiple endocrine neoplasia, type 2 (MEN2). Identifiers: Orphanet 653, MedGen C4048306, MONDO:0019003. Disease mechanism: gain of function.

Submission:

Labcorp Genetics (formerly Invitae), Labcorp
Classification: Uncertain significance for Multiple endocrine neoplasia, type 2. Last evaluated: 2019-09-16. Review status: criteria provided, single submitter. Criteria: Invitae Variant Classification Sherloc (09022015). Collection method: clinical testing. Allele origin: germline.
Comment: This variant is not present in population databases (ExAC no frequency). This variant has not been reported in the literature in individuals with RET-related conditions. Algorithms developed to predict the effect of missense changes on protein structure and function (SIFT, PolyPhen-2, Align-GVGD) all suggest that this variant is likely to be tolerated, but these predictions have not been confirmed by published functional studies and their clinical significance is uncertain. In summary, the available evidence is currently insufficient to determine the role of this variant in disease. Therefore, it has been classified as a Variant of Uncertain Significance. This sequence change replaces valine with alanine at codon 521 of the RET protein (p.Val521Ala). The valine residue is moderately conserved and there is a small physicochemical difference between valine and alanine.

NM_020975.6(RET):c.1562T>C (p.Val521Ala)

Gene: RET (ret proto-oncogene; plus strand). Cytogenetic location: 10q11.21.
Variant type: single nucleotide variant.
Coding change: c.1562T>C on transcript NM_020975.6 (MANE Select); coding-DNA position 1562, T replaced by C.
Protein change: p.Val521Ala; replaces valine 521 with alanine.
Molecular consequence: missense variant.
Genome position (GRCh38, 1-based): chr10:43,112,138, T>C. VCF-style: chr10-43112138-T-C. GRCh37 (hg19) VCF-style: chr10-43607586-T-C.
Other names: c.1562T>C, p.Val521Ala (NM_000323.2, NM_001406743.1, NM_001406744.1 and 6 more transcripts); c.800T>C, p.Val267Ala (NM_001355216.2); c.1433T>C, p.Val478Ala (NM_001406761.1, NM_001406762.1, NM_001406764.1 and 1 more transcripts); c.1274T>C, p.Val425Ala (NM_001406766.1, NM_001406767.1, NM_001406770.1); c.1166T>C, p.Val389Ala (NM_001406769.1, NM_001406772.1); c.1124T>C, p.Val375Ala (NM_001406771.1, NM_001406773.1); c.1037T>C, p.Val346Ala (NM_001406774.1); c.836T>C, p.Val279Ala (NM_001406775.1, NM_001406776.1, NM_001406777.1 and 1 more transcripts); and 5 more; short protein forms V521A, V267A, V375A, V38A, V191A, V279A, V389A, V425A.
Identifiers: ClinVar variation 936243 (VCV000936243.10), dbSNP rs1837950711, ClinGen allele CA376550384.